The following is an entry in ClinVar:

NM_001261826.3(AP3D1):c.2938C>T (p.Pro980Ser)

Gene: AP3D1 (adaptor related protein complex 3 subunit delta 1; minus strand). Cytogenetic location: 19p13.3.
Variant type: single nucleotide variant.
Coding change: c.2938C>T on transcript NM_001261826.3 (MANE Select); coding-DNA position 2938, C replaced by T.
Protein change: p.Pro980Ser; replaces proline 980 with serine.
Molecular consequence: missense variant.
Genome position (GRCh38, 1-based): chr19:2,111,332, G>A on the plus strand (C>T on the coding strand, the complement: AP3D1 is on the minus strand). VCF-style: chr19-2111332-G-A. GRCh37 (hg19) VCF-style: chr19-2111331-G-A.
Other names: c.2902C>T, p.Pro968Ser (NM_001374799.1); c.2752C>T, p.Pro918Ser (NM_003938.8); short protein forms P918S, P968S, P980S.
Identifiers: ClinVar variation 2177578 (VCV002177578.4), dbSNP rs561924813, ClinGen allele CA9058626.
Genomic context (GRCh38, chr19:2,111,332, plus strand): 5'-GGCTGCCACTCACCATTTTAACATAGGAATTTTCAGCGAGGAGGGAGTAGCTGGACTCAG[G>A]CTGGAAATAGAAAAGGCGCATCAGCCTTGGGGGCCCCGAGCTCCGTCTCAGCGAAGACTC-3'
Protein context (NP_001248755.1, residues 970-990): NGAPEEEQLP[Pro980Ser]ESSYSLLAEN

ClinVar aggregate classification (germline): Uncertain significance (1 of 4 stars; one submission).

Allele frequency attached by ClinVar (database versions not stated): gnomAD 0.00001; TOPMed 0.00001; ExAC 0.00002; gnomAD exomes 0.00003; 1000 Genomes Project 30x 0.00016; 1000 Genomes Project 0.00020.
gnomAD v4.1: 40 of 1,613,970 alleles (0.0025%); highest among the groups gnomAD compares: Non-Finnish European, 0.0031%; no homozygotes.

Submission:

Labcorp Genetics (formerly Invitae), Labcorp
Classification: Uncertain significance. Last evaluated: 2023-01-15. Review status: criteria provided, single submitter. Criteria: Invitae Variant Classification Sherloc (09022015). Collection method: clinical testing. Allele origin: germline.
Comment: In summary, the available evidence is currently insufficient to determine the role of this variant in disease. Therefore, it has been classified as a Variant of Uncertain Significance. Algorithms developed to predict the effect of missense changes on protein structure and function (SIFT, PolyPhen-2, Align-GVGD) all suggest that this variant is likely to be tolerated. This variant has not been reported in the literature in individuals affected with AP3D1-related conditions. This variant is present in population databases (rs561924813, gnomAD 0.005%). This sequence change replaces proline, which is neutral and non-polar, with serine, which is neutral and polar, at codon 980 of the AP3D1 protein (p.Pro980Ser).